The following is an entry in ClinVar:

ClinVar aggregate classification (germline): Uncertain significance (1 of 4 stars; one submission).

gnomAD v4.1: 2 of 1,597,102 alleles (0.00013%); highest among the groups gnomAD compares: Non-Finnish European, 0.00017%; no homozygotes.

Submission:

Labcorp Genetics (formerly Invitae), Labcorp
Classification: Uncertain significance. Last evaluated: 2021-09-17. Review status: criteria provided, single submitter. Criteria: Invitae Variant Classification Sherloc (09022015). Collection method: clinical testing. Allele origin: germline.
Comment: This sequence change replaces glutamic acid with glycine at codon 263 of the ABHD12 protein (p.Glu263Gly). The glutamic acid residue is highly conserved and there is a moderate physicochemical difference between glutamic acid and glycine. This variant is not present in population databases (ExAC no frequency). This variant has not been reported in the literature in individuals affected with ABHD12-related conditions. Algorithms developed to predict the effect of missense changes on protein structure and function (SIFT, PolyPhen-2, Align-GVGD) all suggest that this variant is likely to be tolerated. In summary, the available evidence is currently insufficient to determine the role of this variant in disease. Therefore, it has been classified as a Variant of Uncertain Significance.

NM_001042472.3(ABHD12):c.788A>G (p.Glu263Gly)

Gene: ABHD12 (abhydrolase domain containing 12, lysophospholipase; minus strand). Cytogenetic location: 20p11.21.
Variant type: single nucleotide variant.
Coding change: c.788A>G on transcript NM_001042472.3 (MANE Select); coding-DNA position 788, A replaced by G.
Protein change: p.Glu263Gly; replaces glutamic acid 263 with glycine.
Molecular consequence: missense variant.
Genome position (GRCh38, 1-based): chr20:25,308,045, T>C on the plus strand (A>G on the coding strand, the complement: ABHD12 is on the minus strand). VCF-style: chr20-25308045-T-C. GRCh37 (hg19) VCF-style: chr20-25288681-T-C.
Other names: c.788A>G, p.Glu263Gly (NM_015600.5); short protein forms E263G.
Identifiers: ClinVar variation 1519524 (VCV001519524.3), dbSNP rs2145931488, ClinGen allele CA408455963.